The following is an entry in ClinVar:

NM_000059.4(BRCA2):c.2751A>G (p.Val917=)

Gene: BRCA2 (BRCA2 DNA repair associated; plus strand). Cytogenetic location: 13q13.1.
Variant type: single nucleotide variant.
Coding change: c.2751A>G on transcript NM_000059.4 (MANE Select); coding-DNA position 2751, A replaced by G.
Protein change: p.Val917=; no amino-acid change (valine 917 retained).
Molecular consequence: synonymous variant.
Genome position (GRCh38, 1-based): chr13:32,337,106, A>G. VCF-style: chr13-32337106-A-G. GRCh37 (hg19) VCF-style: chr13-32911243-A-G.
Identifiers: ClinVar variation 184041 (VCV000184041.30), dbSNP rs765644162, ClinGen allele CA016257.

ClinVar aggregate classification (germline): Likely benign. Review status: reviewed by expert panel (3 of 4 stars). 11 submissions from 11 submitters: Likely benign (1). 10 of the submissions do not count toward it. Last evaluated 2017-06-29.

Conditions:
Breast and/or ovarian cancer. Identifiers: MedGen CN221562.
Hereditary cancer-predisposing syndrome. Also called: Tumor predisposition; Neoplastic Syndromes, Hereditary; Hereditary neoplastic syndrome; Hereditary Cancer Syndrome. Identifiers: Orphanet 140162, MedGen C0027672, MeSH D009386, MONDO:0015356.
Hereditary breast ovarian cancer syndrome. Also called: Hereditary breast and ovarian cancer syndrome; Hereditary breast and ovarian cancer syndrome (HBOC); Hereditary breast and ovarian cancer; Breast and ovarian cancer; BRCA1- and BRCA2-Associated Hereditary Breast and Ovarian Cancer; Hereditary breast and/or ovarian cancer syndrome. Identifiers: Orphanet 145, MedGen C0677776, MeSH D061325, MONDO:0003582. Disease mechanism: loss of function.
Breast-ovarian cancer, familial, susceptibility to, 2 (BROVCA2). Also called: BRCA2 Hereditary Breast and Ovarian Cancer. Identifiers: Orphanet 145, MedGen C2675520, MONDO:0012933, OMIM 612555. Disease mechanism: loss of function.

Allele frequency attached by ClinVar (database versions not stated): ExAC 0.00001; gnomAD 0.00001; gnomAD exomes 0.00001; TOPMed 0.00001.
gnomAD v4.1: 19 of 1,613,716 alleles (0.0012%); highest among the groups gnomAD compares: Non-Finnish European, 0.0014%; no homozygotes.

Submissions (11):

Evidence-based Network for the Interpretation of Germline Mutant Alleles (ENIGMA)
Classification: Likely benign for Breast-ovarian cancer, familial, susceptibility to, 2. Last evaluated: 2017-06-29. Review status: reviewed by expert panel. Criteria: ENIGMA BRCA1/2 Classification Criteria (2017-06-29). Collection method: curation. Allele origin: germline.
Comment: Synonymous substitution variant, with low bioinformatic likelihood to result in a splicing aberration (Splicing prior probability 0.02).

Women's Health and Genetics/Laboratory Corporation of America, LabCorp
Classification: Likely benign. Last evaluated: 2025-12-28. Review status: criteria provided, single submitter. Criteria: LabCorp Variant Classification Summary - May 2015. Collection method: clinical testing. Allele origin: germline. Not counted in ClinVar's aggregate classification.

Labcorp Genetics (formerly Invitae), Labcorp
Classification: Benign for Hereditary breast ovarian cancer syndrome. Last evaluated: 2025-12-19. Review status: criteria provided, single submitter. Criteria: Invitae Variant Classification Sherloc (09022015). Collection method: clinical testing. Allele origin: germline. Not counted in ClinVar's aggregate classification.

Blueprint Genetics
Classification: Likely benign. Last evaluated: 2024-10-17. Review status: criteria provided, single submitter. Criteria: ACMG Guidelines, 2015. Collection method: clinical testing. Allele origin: germline. Not counted in ClinVar's aggregate classification.

CHEO Genetics Diagnostic Laboratory, Children's Hospital of Eastern Ontario
Classification: Likely benign for Breast and/or ovarian cancer. Last evaluated: 2023-01-31. Review status: criteria provided, single submitter. Criteria: ACMG Guidelines, 2015. Collection method: clinical testing. Allele origin: germline. Not counted in ClinVar's aggregate classification.

Quest Diagnostics Nichols Institute San Juan Capistrano
Classification: Likely benign. Last evaluated: 2021-01-18. Review status: criteria provided, single submitter. Criteria: Quest Diagnostics criteria. Collection method: clinical testing. Allele origin: unknown. Not counted in ClinVar's aggregate classification.

Color Diagnostics, LLC DBA Color Health
Classification: Likely benign for Hereditary cancer-predisposing syndrome. Last evaluated: 2017-10-23. Review status: criteria provided, single submitter. Criteria: ACMG Guidelines, 2015. Collection method: clinical testing. Allele origin: germline. Not counted in ClinVar's aggregate classification.

Fulgent Genetics
Classification: Likely benign for Breast-ovarian cancer, familial, susceptibility to, 2. Last evaluated: 2016-01-28. Review status: criteria provided, single submitter. Criteria: ACMG Guidelines, 2015. Collection method: clinical testing. Allele origin: unknown. Not counted in ClinVar's aggregate classification.

GeneDx
Classification: Benign. Last evaluated: 2015-05-21. Review status: criteria provided, single submitter. Criteria: GeneDx Variant Classification Process June 2021. Collection method: clinical testing. Allele origin: germline. Affected: yes. Not counted in ClinVar's aggregate classification.
Comment: This variant is associated with the following publications: (PMID: 23929434)

Ambry Genetics
Classification: Likely benign for Hereditary cancer-predisposing syndrome. Last evaluated: 2015-01-20. Review status: criteria provided, single submitter. Criteria: Ambry Variant Classification Scheme 2023. Collection method: clinical testing. Allele origin: germline. Not counted in ClinVar's aggregate classification.

Department of Pathology and Laboratory Medicine, Sinai Health System
Classification: Benign for Breast-ovarian cancer, familial, susceptibility to, 2. Review status: no assertion criteria provided. Collection method: clinical testing. Allele origin: unknown. Affected: yes. Observed: 1 variant allele. Study: The Canadian Open Genetics Repository (COGR). Not counted in ClinVar's aggregate classification.
Comment: The p.Val917Val variant is not expected to have clinical significance because it does not result in a change of amino acid and is not located in a known consensus splice site. This variant was not identified in the literature, but was identified in the UMD database (1x as an "unknown variant") and co-occured with another pathogenic variant (c.8904delC (p.Val2969CysfsX7)) increasing the likelihood that the p.Val917Val variant does not have clinical significance. In addition, this variant is poorly conserved in mammals and lower organisms and Myriad classifies this variant as benign. In summary, based on the above information, this variant is classified as benign.

Literature cited by the submitters: PubMed 23929434 (cited by Quest Diagnostics Nichols Institute San Juan Capistrano).